The following is an entry in ClinVar:

NM_000059.4(BRCA2):c.9008del (p.Gly3003fs)

Gene: BRCA2 (BRCA2 DNA repair associated; plus strand). Cytogenetic location: 13q13.1.
Variant type: Deletion.
Coding change: c.9008del on transcript NM_000059.4 (MANE Select); coding-DNA position 9008, one base deleted (G; older notation c.9008delG).
Protein change: p.Gly3003fs; shifts the reading frame from glycine 3003.
Molecular consequence: frameshift variant.
Genome position (GRCh38, 1-based): chr13:32,379,804, G deleted; the last of 2 consecutive G bases (chr13:32,379,803-32,379,804); deleting either gives the same sequence. VCF-style (leftmost placement, unchanged base first): chr13-32379802-AG-A. GRCh37 (hg19) VCF-style: chr13-32953939-AG-A.
Other names: short protein forms G3003fs.
Identifiers: ClinVar variation 988019 (VCV000988019.10), dbSNP rs2072908679, ClinGen allele CA1139663156.

ClinVar aggregate classification (germline): Pathogenic. Review status: criteria provided, multiple submitters, no conflicts (2 of 4 stars). 4 submissions from 4 submitters: Pathogenic (4). Last evaluated 2024-08-30.

Conditions:
Hereditary cancer-predisposing syndrome. Also called: Hereditary Cancer Syndrome; Neoplastic Syndromes, Hereditary; Tumor predisposition; Hereditary neoplastic syndrome. Identifiers: Orphanet 140162, MedGen C0027672, MeSH D009386, MONDO:0015356.
BRCA2-related cancer predisposition. Identifiers: MedGen CN377758, MONDO:0700269.
Hereditary breast ovarian cancer syndrome. Also called: Hereditary breast and ovarian cancer syndrome; Hereditary breast and ovarian cancer syndrome (HBOC); Breast and ovarian cancer; Hereditary breast and/or ovarian cancer syndrome; Hereditary breast and ovarian cancer; BRCA1- and BRCA2-Associated Hereditary Breast and Ovarian Cancer. Identifiers: Orphanet 145, MedGen C0677776, MeSH D061325, MONDO:0003582. Disease mechanism: loss of function.

Submissions (4):

All of Us Research Program, National Institutes of Health
Classification: Pathogenic for BRCA2-related cancer predisposition. Last evaluated: 2024-08-30. Review status: criteria provided, single submitter. Criteria: ACMG Guidelines, 2015. Collection method: clinical testing. Allele origin: germline. Inheritance: Autosomal dominant inheritance. Observed: 1 variant allele, 1 heterozygote.
Comment: This variant deletes 1 nucleotide in exon 23 of the BRCA2 gene, creating a frameshift and premature translation stop signal. This variant is expected to result in an absent or non-functional protein product. This variant has been reported in four individuals affected with breast cancer (PMID: 33471991, 36149077). This variant has not been identified in the general population by the Genome Aggregation Database (gnomAD). Loss of BRCA2 function is a known mechanism of disease. Based on the available evidence, this variant is classified as Pathogenic.

This study involves interpretation of variants in research participants for the purpose of population health screening. Participant phenotype was not available at the time of variant classification. Additional details can be found in publication PMID: 35346344, PMCID: PMC8962531

Color Diagnostics, LLC DBA Color Health
Classification: Pathogenic for Hereditary cancer-predisposing syndrome. Last evaluated: 2024-07-11. Review status: criteria provided, single submitter. Criteria: ACMG Guidelines, 2015. Collection method: clinical testing. Allele origin: germline.
Comment: This variant deletes 1 nucleotide in exon 23 of the BRCA2 gene, creating a frameshift and premature translation stop signal. This variant is expected to result in an absent or non-functional protein product. This variant has been reported in four individuals affected with breast cancer (PMID: 33471991, 36149077). This variant has not been identified in the general population by the Genome Aggregation Database (gnomAD). Loss of BRCA2 function is a known mechanism of disease. Based on the available evidence, this variant is classified as Pathogenic.

Labcorp Genetics (formerly Invitae), Labcorp
Classification: Pathogenic for Hereditary breast ovarian cancer syndrome. Last evaluated: 2023-03-09. Review status: criteria provided, single submitter. Criteria: Invitae Variant Classification Sherloc (09022015). Collection method: clinical testing. Allele origin: germline.
Comment: This premature translational stop signal has been observed in individual(s) with male breast cancer (PMID: 28091860). This variant is also known as c.9007delG. ClinVar contains an entry for this variant (Variation ID: 988019). For these reasons, this variant has been classified as Pathogenic. This sequence change creates a premature translational stop signal (p.Gly3003Glufs*25) in the BRCA2 gene. It is expected to result in an absent or disrupted protein product. Loss-of-function variants in BRCA2 are known to be pathogenic (PMID: 20104584). This variant is not present in population databases (gnomAD no frequency).

Laboratorios - Biologia Molecular Oncohematologica, Hospital Privado Universitario de Cordoba
Classification: Pathogenic for Hereditary breast ovarian cancer syndrome. Last evaluated: 2020-12-02. Review status: criteria provided, single submitter. Criteria: ACMG Guidelines, 2015. Collection method: clinical testing. Allele origin: unknown. Inheritance: Autosomal dominant inheritance. Affected: yes. Observed: 1 variant allele, 1 heterozygote.
Comment: 1)Null variant (frame-shift), in gene BRCA2, for which loss-of-function is a known mechanism of disease. 2)Variant not found in gnomAD exomes. 3)Pathogenic computational verdict based on 1 pathogenic prediction from GERP vs no benign predictions. All this data suggests pathogenicity.

Literature cited by the submitters: PubMed 33471991 (cited by All of Us Research Program, National Institutes of Health and Color Diagnostics, LLC DBA Color Health); PubMed 36149077 (cited by All of Us Research Program, National Institutes of Health and Color Diagnostics, LLC DBA Color Health); PubMed 28091860 (cited by Labcorp Genetics (formerly Invitae), Labcorp); PubMed 20104584 (cited by Labcorp Genetics (formerly Invitae), Labcorp).